The following is an entry in ClinVar:

NM_004260.4(RECQL4):c.2881C>T (p.His961Tyr)

Gene: RECQL4 (RecQ like helicase 4; minus strand). Cytogenetic location: 8q24.3.
Variant type: single nucleotide variant.
Coding change: c.2881C>T on transcript NM_004260.4 (MANE Select); coding-DNA position 2881, C replaced by T.
Protein change: p.His961Tyr; replaces histidine 961 with tyrosine.
Molecular consequence: missense variant. On other transcripts: non-coding transcript variant (3).
Genome position (GRCh38, 1-based): chr8:144,512,646, G>A on the plus strand (C>T on the coding strand, the complement: RECQL4 is on the minus strand). VCF-style: chr8-144512646-G-A. GRCh37 (hg19) VCF-style: chr8-145738029-G-A.
Other names: c.2587C>T, p.His863Tyr (NM_001413017.1); c.2683C>T, p.His895Tyr (NM_001413018.1); c.2956C>T, p.His986Tyr (NM_001413019.1); c.2785C>T, p.His929Tyr (NM_001413020.1); c.1810C>T, p.His604Tyr (NM_001413021.1, NM_001413022.1, NM_001413024.1 and 4 more transcripts); c.1885C>T, p.His629Tyr (NM_001413023.1); c.2752C>T, p.His918Tyr (NM_001413025.1); c.1744C>T, p.His582Tyr (NM_001413027.1, NM_001413030.1, NM_001413032.1); and 9 more; short protein forms H472Y, H582Y, H594Y, H604Y, H629Y, H863Y, H961Y, H538Y.
Identifiers: ClinVar variation 3944304 (VCV003944304.1).

ClinVar aggregate classification (germline): Uncertain significance (1 of 4 stars; one submission).

Conditions:
Inborn genetic diseases. Identifiers: MedGen C0950123, MeSH D030342.

Submission:

Ambry Genetics
Classification: Uncertain significance for Inborn genetic diseases. Last evaluated: 2025-05-02. Review status: criteria provided, single submitter. Criteria: Ambry Variant Classification Scheme 2023. Collection method: clinical testing. Allele origin: germline.
Comment: The p.H961Y variant (also known as c.2881C>T), located in coding exon 16 of the RECQL4 gene, results from a C to T substitution at nucleotide position 2881. The histidine at codon 961 is replaced by tyrosine, an amino acid with similar properties. This amino acid position is conserved. Based on the available evidence, the clinical significance of this variant remains unclear.